The following is an entry in ClinVar:

ClinVar aggregate classification (germline): Uncertain significance (1 of 4 stars; one submission).

Conditions:
Desmin-related myofibrillar myopathy (MFM1). Also called: Desminopathy; Desmin related myopathy (former name); Desmin storage myopathy (former name); MYOFIBRILLAR MYOPATHY WITH ARRHYTHMOGENIC RIGHT VENTRICULAR CARDIOMYOPATHY; DESMIN-RELATED MYOPATHY WITH ARRHYTHMOGENIC RIGHT VENTRICULAR CARDIOMYOPATHY; Myofibrillar myopathy 1. Identifiers: Orphanet 363543, Orphanet 98909, MedGen C1832370, MONDO:0011076, OMIM 601419.

Submission:

Labcorp Genetics (formerly Invitae), Labcorp
Classification: Uncertain significance for Desmin-related myofibrillar myopathy. Last evaluated: 2024-11-27. Review status: criteria provided, single submitter. Criteria: Invitae Variant Classification Sherloc (09022015). Collection method: clinical testing. Allele origin: germline.
Comment: This sequence change replaces histidine, which is basic and polar, with arginine, which is basic and polar, at codon 376 of the DES protein (p.His376Arg). This variant is not present in population databases (gnomAD no frequency). This variant has not been reported in the literature in individuals affected with DES-related conditions. Invitae Evidence Modeling of protein sequence and biophysical properties (such as structural, functional, and spatial information, amino acid conservation, physicochemical variation, residue mobility, and thermodynamic stability) indicates that this missense variant is not expected to disrupt DES protein function with a negative predictive value of 80%. In summary, the available evidence is currently insufficient to determine the role of this variant in disease. Therefore, it has been classified as a Variant of Uncertain Significance.

NM_001927.4(DES):c.1127A>G (p.His376Arg)

Gene: DES (desmin; plus strand). Cytogenetic location: 2q35.
Variant type: single nucleotide variant.
Coding change: c.1127A>G on transcript NM_001927.4 (MANE Select); coding-DNA position 1127, A replaced by G.
Protein change: p.His376Arg; replaces histidine 376 with arginine.
Molecular consequence: missense variant. On other transcripts: intron variant (1).
Genome position (GRCh38, 1-based): chr2:219,421,443, A>G. VCF-style: chr2-219421443-A-G. GRCh37 (hg19) VCF-style: chr2-220286165-A-G.
Other names: c.1124A>G, p.His375Arg (NM_001382708.1); c.1058A>G, p.His353Arg (NM_001382710.1); c.1106A>G, p.His369Arg (NM_001382711.1); c.1127A>G, p.His376Arg (NM_001382712.1); c.857A>G, p.His286Arg (NM_001382713.1); c.736-41A>G (NM_001382709.1); short protein forms H286R, H353R, H369R, H375R, H376R.
Identifiers: ClinVar variation 3752953 (VCV003752953.2).